The following is an entry in ClinVar:

NM_006218.4(PIK3CA):c.1747-6dup

Gene: PIK3CA (phosphatidylinositol-4,5-bisphosphate 3-kinase catalytic subunit alpha; plus strand). Cytogenetic location: 3q26.32.
Variant type: Duplication.
Coding change: c.1747-6dup on transcript NM_006218.4 (MANE Select); 6 bases into the intron before coding-DNA position 1747, one base duplicated (A; older notation c.1747-6dupA).
Molecular consequence: intron variant.
Genome position (GRCh38, 1-based): chr3:179,219,565, A duplicated. VCF-style (leftmost placement, unchanged base first): chr3-179219564-T-TA. GRCh37 (hg19) VCF-style: chr3-178937352-T-TA.
Identifiers: ClinVar variation 1525438 (VCV001525438.7), dbSNP rs1724918747, ClinGen allele CA1423674658.
Genomic context (GRCh38, chr3:179,219,564, plus strand): 5'-TTTTAGATGGCTCATTCACAACTATCTTTCCCCTTTAAATATGATTTATTGTCTTTCTCA[T>TA]ACACAGATGTATTGCTTGGTAAAAGATTGGCCTCCAATCAAACCTGAACAGGCTATGGAA-3'

ClinVar aggregate classification (germline): Conflicting classifications of pathogenicity. Review status: criteria provided, conflicting classifications (1 of 4 stars). 2 submissions from 2 submitters: Uncertain significance (1); Likely benign (1). Last evaluated 2023-12-09.

Conditions:
Cowden syndrome (CS). Also called: Cowden's disease; Cowden's syndrome; Cowden disease. Identifiers: Orphanet 201, MedGen C0018553, MONDO:0016063. Disease mechanism: gain of function.

Allele frequency attached by ClinVar (database versions not stated): TOPMed below 0.00001.

Submissions (2):

GeneDx
Classification: Uncertain significance. Last evaluated: 2023-12-09. Review status: criteria provided, single submitter. Criteria: GeneDx Variant Classification Process June 2021. Collection method: clinical testing. Allele origin: germline. Affected: yes.
Comment: Not observed at significant frequency in large population cohorts (gnomAD); Has not been previously published as pathogenic or benign to our knowledge; In silico analysis is inconclusive as to whether the variant alters gene splicing. In the absence of RNA/functional studies, the actual effect of this sequence change is unknown.

Labcorp Genetics (formerly Invitae), Labcorp
Classification: Likely benign for Cowden syndrome. Last evaluated: 2022-11-15. Review status: criteria provided, single submitter. Criteria: Invitae Variant Classification Sherloc (09022015). Collection method: clinical testing. Allele origin: germline.